The following is an entry in ClinVar:

NM_018136.5(ASPM):c.3980G>A (p.Arg1327Gln)

Gene: ASPM (assembly factor for spindle microtubules; minus strand). Cytogenetic location: 1q31.3.
Variant type: single nucleotide variant.
Coding change: c.3980G>A on transcript NM_018136.5 (MANE Select); coding-DNA position 3980, G replaced by A.
Protein change: p.Arg1327Gln; replaces arginine 1327 with glutamine.
Molecular consequence: missense variant.
Genome position (GRCh38, 1-based): chr1:197,117,874, C>T on the plus strand (G>A on the coding strand, the complement: ASPM is on the minus strand). VCF-style: chr1-197117874-C-T. GRCh37 (hg19) VCF-style: chr1-197087004-C-T.
Other names: c.3980G>A, p.Arg1327Gln (NM_001206846.2); short protein forms R1327Q.
Identifiers: ClinVar variation 1401827 (VCV001401827.4), dbSNP rs776913294, ClinGen allele CA1310029.
Genomic context (GRCh38, chr1:197,117,874, plus strand): 5'-TGAACTTTTTCCAGCTTTTCCTTTTTTAACATTAATAATTTTCTCTGTGCTAAGACTCTT[C>T]GCCAATATTTCTGAATGACGAGTGCTGCATTAACTCTTTTTCTCAATCTTTGTTTTGCTA-3'
Protein context (NP_060606.3, residues 1317-1337): NAALVIQKYW[Arg1327Gln]RVLAQRKLLM

ClinVar aggregate classification (germline): Uncertain significance (1 of 4 stars; one submission).

Allele frequency attached by ClinVar (database versions not stated): gnomAD 0.00001; ExAC 0.00002; TOPMed 0.00002; gnomAD exomes 0.00004 and 0.00005.

Submission:

Labcorp Genetics (formerly Invitae), Labcorp
Classification: Uncertain significance. Last evaluated: 2022-01-13. Review status: criteria provided, single submitter. Criteria: Invitae Variant Classification Sherloc (09022015). Collection method: clinical testing. Allele origin: germline.
Comment: This sequence change replaces arginine, which is basic and polar, with glutamine, which is neutral and polar, at codon 1327 of the ASPM protein (p.Arg1327Gln). This variant is present in population databases (rs776913294, gnomAD 0.02%). This variant has not been reported in the literature in individuals affected with ASPM-related conditions. Algorithms developed to predict the effect of missense changes on protein structure and function are either unavailable or do not agree on the potential impact of this missense change (SIFT: "Deleterious"; PolyPhen-2: "Probably Damaging"; Align-GVGD: "Class C0"). In summary, the available evidence is currently insufficient to determine the role of this variant in disease. Therefore, it has been classified as a Variant of Uncertain Significance.